The following is an entry in ClinVar:

NM_000257.4(MYH7):c.1374A>C (p.Gly458=)

Gene: MYH7 (myosin heavy chain 7; minus strand). Cytogenetic location: 14q11.2.
Variant type: single nucleotide variant.
Coding change: c.1374A>C on transcript NM_000257.4 (MANE Select); coding-DNA position 1374, A replaced by C.
Protein change: p.Gly458=; no amino-acid change (glycine 458 retained).
Molecular consequence: synonymous variant.
Genome position (GRCh38, 1-based): chr14:23,428,988, T>G on the plus strand (A>C on the coding strand, the complement: MYH7 is on the minus strand). VCF-style: chr14-23428988-T-G. GRCh37 (hg19) VCF-style: chr14-23898197-T-G.
Other names: c.1374A>C (LRG_384t1).
Identifiers: ClinVar variation 512151 (VCV000512151.2), dbSNP rs1555338300, ClinGen allele CA485624981.

ClinVar aggregate classification (germline): Likely benign. Review status: criteria provided, multiple submitters, no conflicts (2 of 4 stars). 2 submissions from 2 submitters: Likely benign (2). Last evaluated 2025-06-18.

Conditions:
Hypertrophic cardiomyopathy. Also called: HYPERTROPHIC MYOCARDIOPATHY. Identifiers: Orphanet 217569, MedGen C0007194, MeSH D002312, MONDO:0005045, HP:0001639.

Submissions (2):

Labcorp Genetics (formerly Invitae), Labcorp
Classification: Likely benign for Hypertrophic cardiomyopathy. Last evaluated: 2025-06-18. Review status: criteria provided, single submitter. Criteria: Invitae Variant Classification Sherloc (09022015). Collection method: clinical testing. Allele origin: germline.

GeneDx
Classification: Likely benign. Last evaluated: 2017-09-15. Review status: criteria provided, single submitter. Criteria: GeneDx Variant Classification (06012015). Collection method: clinical testing. Allele origin: germline. Affected: yes.
Comment: This variant is considered likely benign or benign based on one or more of the following criteria: it is a conservative change, it occurs at a poorly conserved position in the protein, it is predicted to be benign by multiple in silico algorithms, and/or has population frequency not consistent with disease.